The following is an entry in ClinVar:

NM_004304.5(ALK):c.1024A>G (p.Ser342Gly)

Gene: ALK (ALK receptor tyrosine kinase; minus strand). Cytogenetic location: 2p23.2.
Variant type: single nucleotide variant.
Coding change: c.1024A>G on transcript NM_004304.5 (MANE Select); coding-DNA position 1024, A replaced by G.
Protein change: p.Ser342Gly; replaces serine 342 with glycine.
Molecular consequence: missense variant.
Genome position (GRCh38, 1-based): chr2:29,532,045, T>C on the plus strand (A>G on the coding strand, the complement: ALK is on the minus strand). VCF-style: chr2-29532045-T-C. GRCh37 (hg19) VCF-style: chr2-29754911-T-C.
Other names: short protein forms S342G.
Identifiers: ClinVar variation 538213 (VCV000538213.8), dbSNP rs973756393, ClinGen allele CA346587435.

ClinVar aggregate classification (germline): Uncertain significance (1 of 4 stars; one submission).

Conditions:
Neuroblastoma, susceptibility to, 3. Also called: ALK-Related Neuroblastic Tumor Susceptibility. Identifiers: Orphanet 635, MedGen C2751681, MONDO:0013083, OMIM 613014.

Allele frequency attached by ClinVar (database versions not stated): gnomAD exomes below 0.00001.
gnomAD v4.1: 2 of 1,614,100 alleles (0.00012%); highest among the groups gnomAD compares: Non-Finnish European, 0.00017%; no homozygotes.

Submission:

Labcorp Genetics (formerly Invitae), Labcorp
Classification: Uncertain significance for Neuroblastoma, susceptibility to, 3. Last evaluated: 2017-12-18. Review status: criteria provided, single submitter. Criteria: Invitae Variant Classification Sherloc (09022015). Collection method: clinical testing. Allele origin: germline.
Comment: This sequence change replaces serine with glycine at codon 342 of the ALK protein (p.Ser342Gly). The serine residue is moderately conserved and there is a small physicochemical difference between serine and glycine. This variant has not been reported in the literature in individuals with ALK-related disease. In summary, the available evidence is currently insufficient to determine the role of this variant in disease. Therefore, it has been classified as a Variant of Uncertain Significance. Algorithms developed to predict the effect of sequence changes on RNA splicing suggest that this variant may create or strengthen a splice site, but this prediction has not been confirmed by published transcriptional studies. Algorithms developed to predict the effect of missense changes on protein structure and function do not agree on the potential impact of this missense change (SIFT: "Deleterious"; PolyPhen-2: "Probably Damaging"; Align-GVGD: "Class C0"). This variant is not present in population databases (ExAC no frequency).